The following is an entry in ClinVar:

ClinVar aggregate classification (germline): Pathogenic (1 of 4 stars; one submission).

Conditions:
3MC syndrome 1. Also called: MICHELS SYNDROME; CRANIOSYNOSTOSIS WITH LID ANOMALIES; OCULOPALATOSKELETAL SYNDROME. Identifiers: Orphanet 293843, MedGen C0796059, MONDO:0009770, OMIM 257920.

gnomAD v4.1: 15 of 1,614,120 alleles (0.00093%); highest among the groups gnomAD compares: Non-Finnish European, 0.0012%; no homozygotes.

Submission:

3billion
Classification: Pathogenic for 3MC syndrome 1. Last evaluated: 2026-01-11. Review status: criteria provided, single submitter. Criteria: ACMG Guidelines, 2015. Collection method: clinical testing. Allele origin: germline. Affected: yes.
Comment: The variant is observed at an extremely low frequency in the gnomAD v4.1.0 dataset (total allele frequency: 0.001%). Predicted Consequence/Location: Stop-gained (nonsense): predicted to result in a loss or disruption of normal protein function through nonsense-mediated decay (NMD) or protein truncation. Multiple pathogenic variants are reported downstream of the variant. The variant has been reported to be associated with MASP1-related disorder (3billion dataset). Therefore, this variant is classified as Pathogenic according to the recommendation of ACMG/AMP guideline.

NM_139125.4(MASP1):c.544C>T (p.Arg182Ter)

Gene: MASP1 (MBL associated serine protease 1; minus strand). Cytogenetic location: 3q27.3.
Variant type: single nucleotide variant.
Coding change: c.544C>T on transcript NM_139125.4 (MANE Select); coding-DNA position 544, C replaced by T.
Protein change: p.Arg182Ter; replaces arginine 182 with a stop codon.
Molecular consequence: nonsense. On other transcripts: non-coding transcript variant (1).
Genome position (GRCh38, 1-based): chr3:187,260,744, G>A on the plus strand (C>T on the coding strand, the complement: MASP1 is on the minus strand). VCF-style: chr3-187260744-G-A. GRCh37 (hg19) VCF-style: chr3-186978532-G-A.
Other names: c.544C>T, p.Arg182Ter (NM_001031849.3, NM_001879.6); short protein forms R182*.
Identifiers: ClinVar variation 4855792 (VCV004855792.1).